The following is an entry in ClinVar:

ClinVar aggregate classification (germline): Uncertain significance. Review status: criteria provided, multiple submitters, no conflicts (2 of 4 stars). 7 submissions from 7 submitters: Uncertain significance (6). 1 of the submissions does not count toward it. Last evaluated 2026-01-19.

Conditions:
Hereditary cancer-predisposing syndrome. Also called: Hereditary Cancer Syndrome; Neoplastic Syndromes, Hereditary; Tumor predisposition; Hereditary neoplastic syndrome. Identifiers: Orphanet 140162, MedGen C0027672, MeSH D009386, MONDO:0015356.
Familial cancer of breast. Also called: Hereditary breast cancer; hereditary breast carcinoma; BREAST CANCER, FAMILIAL. Identifiers: Orphanet 227535, MedGen C0346153, MONDO:0016419, OMIM 114480. Disease mechanism: loss of function.
Ataxia-telangiectasia syndrome (AT). Also called: Ataxia telangiectasia (A-T); Ataxia-telangiectasia, complementation group E; LOUIS-BAR SYNDROME; Cerebello-oculocutaneous telangiectasia; Immunodeficiency with ataxia telangiectasia; Ataxia-telangiectasia, complementation group D. Identifiers: Orphanet 100, MedGen C0004135, MONDO:0008840, OMIM 208900.

Allele frequency attached by ClinVar (database versions not stated): gnomAD exomes below 0.00001; ExAC 0.00001; gnomAD 0.00005 and 0.00006; TOPMed 0.00006.
gnomAD v4.1: 11 of 1,605,414 alleles (0.00069%); highest among the groups gnomAD compares: African/African-American, 0.015%; no homozygotes.

Submissions (7):

Labcorp Genetics (formerly Invitae), Labcorp
Classification: Uncertain significance for Ataxia-telangiectasia syndrome. Last evaluated: 2026-01-19. Review status: criteria provided, single submitter. Criteria: Invitae Variant Classification Sherloc (09022015). Collection method: clinical testing. Allele origin: germline.
Comment: This sequence change replaces aspartic acid, which is acidic and polar, with valine, which is neutral and non-polar, at codon 1333 of the ATM protein (p.Asp1333Val). This variant is present in population databases (rs746709782, gnomAD 0.008%). This variant has not been reported in the literature in individuals affected with ATM-related conditions. ClinVar contains an entry for this variant (Variation ID: 231126). Invitae Evidence Modeling of protein sequence and biophysical properties (such as structural, functional, and spatial information, amino acid conservation, physicochemical variation, residue mobility, and thermodynamic stability) has been performed for this missense variant. However, the output from this modeling did not meet the statistical confidence thresholds required to predict the impact of this variant on ATM protein function. In summary, the available evidence is currently insufficient to determine the role of this variant in disease. Therefore, it has been classified as a Variant of Uncertain Significance.

Ambry Genetics
Classification: Uncertain significance for Hereditary cancer-predisposing syndrome. Last evaluated: 2025-07-03. Review status: criteria provided, single submitter. Criteria: Ambry Variant Classification Scheme 2023. Collection method: clinical testing. Allele origin: germline.
Comment: The p.D1333V variant (also known as c.3998A>T), located in coding exon 26 of the ATM gene, results from an A to T substitution at nucleotide position 3998. The aspartic acid at codon 1333 is replaced by valine, an amino acid with highly dissimilar properties. This amino acid position is highly conserved in available vertebrate species. In addition, this alteration is predicted to be deleterious by in silico analysis. Based on the available evidence, the clinical significance of this variant remains unclear.

Color Diagnostics, LLC DBA Color Health
Classification: Uncertain significance for Hereditary cancer-predisposing syndrome. Last evaluated: 2024-12-17. Review status: criteria provided, single submitter. Criteria: ACMG Guidelines, 2015. Collection method: clinical testing. Allele origin: germline.
Comment: This missense variant replaces aspartic acid with valine at codon 1333 of the ATM protein. Computational prediction is inconclusive regarding the impact of this variant on protein structure and function. To our knowledge, functional studies have not been reported for this variant. This variant has not been reported in individuals affected with ATM-related disorders in the literature. This variant has been identified in 2/279642 chromosomes in the general population by the Genome Aggregation Database (gnomAD). The available evidence is insufficient to determine the role of this variant in disease conclusively. Therefore, this variant is classified as a Variant of Uncertain Significance.

Baylor Genetics
Classification: Uncertain significance for Familial cancer of breast. Last evaluated: 2024-02-06. Review status: criteria provided, single submitter. Criteria: ACMG Guidelines, 2015. Collection method: clinical testing. Allele origin: unknown.

GeneDx
Classification: Uncertain significance. Last evaluated: 2023-09-01. Review status: criteria provided, single submitter. Criteria: GeneDx Variant Classification Process June 2021. Collection method: clinical testing. Allele origin: germline. Affected: yes.
Comment: Not observed at significant frequency in large population cohorts (gnomAD); In silico analysis supports that this missense variant has a deleterious effect on protein structure/function; Has not been previously published as pathogenic or benign to our knowledge

Women's Health and Genetics/Laboratory Corporation of America, LabCorp
Classification: Uncertain significance. Last evaluated: 2017-02-02. Review status: criteria provided, single submitter. Criteria: LabCorp Variant Classification Summary - May 2015. Collection method: clinical testing. Allele origin: germline.
Comment: Variant summary: The ATM c.3998A>T (p.Asp1333Val) variant involves the alteration of a conserved nucleotide. 4/4 in silico tools predict a damaging outcome for this variant (SNPs&GO not captured due to low reliability index). This variant was found in 1/119294 control chromosomes at a frequency of 0.0000084, which does not exceed the estimated maximal expected allele frequency of a pathogenic ATM variant (0.0010005). In addition, one clinical diagnostic laboratory classified this variant as uncertain significance. The variant of interest has not, to our knowledge, been reported in affected individuals via publications and/or reputable databases/clinical diagnostic laboratories; nor evaluated for functional impact by in vivo/vitro studies. Because of the absence of clinical information and the lack of functional studies, the variant is classified as a variant of uncertain significance (VUS) until additional information becomes available.

Natera, Inc.
Classification: Uncertain significance for Ataxia-telangiectasia. Last evaluated: 2020-01-11. Review status: no assertion criteria provided. Collection method: clinical testing. Allele origin: germline. Not counted in ClinVar's aggregate classification.

NM_000051.4(ATM):c.3998A>T (p.Asp1333Val)

Gene: ATM (ATM serine/threonine kinase; plus strand). Cytogenetic location: 11q22.3.
Variant type: single nucleotide variant.
Coding change: c.3998A>T on transcript NM_000051.4 (MANE Select); coding-DNA position 3998, A replaced by T.
Protein change: p.Asp1333Val; replaces aspartic acid 1333 with valine.
Molecular consequence: missense variant.
Genome position (GRCh38, 1-based): chr11:108,287,604, A>T. VCF-style: chr11-108287604-A-T. GRCh37 (hg19) VCF-style: chr11-108158331-A-T.
Other names: c.3998A>T, p.Asp1333Val (NM_001351834.2); short protein forms D1333V.
Identifiers: ClinVar variation 231126 (VCV000231126.26), dbSNP rs746709782, ClinGen allele CA6265384.